The following is an entry in ClinVar:

ClinVar aggregate classification (germline): Pathogenic/Likely pathogenic. Review status: criteria provided, multiple submitters, no conflicts (2 of 4 stars). 2 submissions from 2 submitters: Pathogenic (1); Likely pathogenic (1). Last evaluated 2026-04-28.

Conditions:
Inborn genetic diseases. Identifiers: MedGen C0950123, MeSH D030342.

Allele frequency attached by ClinVar (database versions not stated): ExAC 0.00001; gnomAD 0.00003; TOPMed 0.00001; gnomAD exomes 0.00002.

Submissions (2):

Ambry Genetics
Classification: Likely pathogenic for Inborn genetic diseases. Last evaluated: 2026-04-28. Review status: criteria provided, single submitter. Criteria: Ambry Variant Classification Scheme 2023. Collection method: clinical testing. Allele origin: germline.
Comment: The c.4655+1G>A intronic variant consists of a G to A substitution one nucleotide after exon 14 (coding exon 13) of the MYO15A gene. Variants that disrupt the canonical splice site are expected to cause aberrant splicing, resulting in an abnormal protein or a transcript that is subject to nonsense-mediated mRNA decay. Based on data from gnomAD, the A allele has an overall frequency of 0.003% (7/280482) total alleles studied. The highest observed frequency was 0.005% (7/128538) of European (non-Finnish) alleles. This variant has been identified in the homozygous state and/or in conjunction with other MYO15A variant(s) in individual(s) with features consistent with MYO15A-related deafness (Sloan-Heggen, 2016). This nucleotide position is highly conserved in available vertebrate species. In silico splice site analysis predicts that this alteration will weaken the native splice donor site. Based on the available evidence, this alteration is classified as likely pathogenic.

GeneDx
Classification: Pathogenic. Last evaluated: 2025-12-03. Review status: criteria provided, single submitter. Criteria: GeneDx Variant Classification Process June 2021. Collection method: clinical testing. Allele origin: germline. Affected: yes.
Comment: Identified in unrelated patients with hearing loss referred for genetic testing at GeneDx and in published literature (PMID: 26969326); Canonical splice site variant predicted to result in a null allele in a gene for which loss of function is a known mechanism of disease; Not observed at significant frequency in large population cohorts (gnomAD); This variant is associated with the following publications: (PMID: 34388253, 27375115, 26445815, 26969326)

Literature cited by the submitters: PubMed 26969326 (cited by Ambry Genetics).

NM_016239.4(MYO15A):c.4655+1G>A

Gene: MYO15A (myosin XVA; plus strand). Cytogenetic location: 17p11.2.
Variant type: single nucleotide variant.
Coding change: c.4655+1G>A on transcript NM_016239.4 (MANE Select); the canonical splice donor site of the intron after coding-DNA position 4655, G replaced by A.
Molecular consequence: splice donor variant.
Genome position (GRCh38, 1-based): chr17:18,136,476, G>A. VCF-style: chr17-18136476-G-A. GRCh37 (hg19) VCF-style: chr17-18039790-G-A.
Other names: c.4655+1G>A (NM_016239.3).
Identifiers: ClinVar variation 2572733 (VCV002572733.5), dbSNP rs769257773, ClinGen allele CA8423976.
Genomic context (GRCh38, chr17:18,136,476, plus strand): 5'-GGAGACAATGCGAGAGAAGATCTTCACGCCCCTAACTGTGGAGAGCGCTGTGGATGCCAG[G>A]TGAGGCCACGCCCTCCCCTGCCTGAGCCCCGAGGCCCAGCACCCCACCACGGTGTCCTGC-3'